The following is an entry in ClinVar:

ClinVar aggregate classification (germline): Uncertain significance (1 of 4 stars; one submission).

Submission:

Labcorp Genetics (formerly Invitae), Labcorp
Classification: Uncertain significance. Last evaluated: 2023-07-21. Review status: criteria provided, single submitter. Criteria: Invitae Variant Classification Sherloc (09022015). Collection method: clinical testing. Allele origin: germline.
Comment: In summary, the available evidence is currently insufficient to determine the role of this variant in disease. Therefore, it has been classified as a Variant of Uncertain Significance. An algorithm developed to predict the effect of missense changes on protein structure and function (PolyPhen-2) suggests that this variant is likely to be tolerated. ClinVar contains an entry for this variant (Variation ID: 1046577). This variant has not been reported in the literature in individuals affected with TUBGCP6-related conditions. This variant is not present in population databases (gnomAD no frequency). This sequence change replaces leucine, which is neutral and non-polar, with phenylalanine, which is neutral and non-polar, at codon 105 of the TUBGCP6 protein (p.Leu105Phe).

NM_020461.4(TUBGCP6):c.315G>T (p.Leu105Phe)

Gene: TUBGCP6 (tubulin gamma complex component 6; minus strand). Cytogenetic location: 22q13.33.
Variant type: single nucleotide variant.
Coding change: c.315G>T on transcript NM_020461.4 (MANE Select); coding-DNA position 315, G replaced by T.
Protein change: p.Leu105Phe; replaces leucine 105 with phenylalanine.
Molecular consequence: missense variant.
Genome position (GRCh38, 1-based): chr22:50,244,145, C>A on the plus strand (G>T on the coding strand, the complement: TUBGCP6 is on the minus strand). VCF-style: chr22-50244145-C-A. GRCh37 (hg19) VCF-style: chr22-50682574-C-A.
Other names: short protein forms L105F.
Identifiers: ClinVar variation 1046577 (VCV001046577.8), dbSNP rs2064886514, ClinGen allele CA412115860.